The following is an entry in ClinVar:

ClinVar aggregate classification (germline): Uncertain significance (1 of 4 stars; one submission).

Allele frequency attached by ClinVar (database versions not stated): ExAC 0.00002; gnomAD exomes 0.00002 and 0.00004; TOPMed 0.00002; gnomAD 0.00003 and 0.00004.
gnomAD v4.1: 65 of 1,611,532 alleles (0.004%); highest among the groups gnomAD compares: Non-Finnish European, 0.0054%; no homozygotes.

Submission:

Labcorp Genetics (formerly Invitae), Labcorp
Classification: Uncertain significance. Last evaluated: 2025-05-21. Review status: criteria provided, single submitter. Criteria: Invitae Variant Classification Sherloc (09022015). Collection method: clinical testing. Allele origin: germline.
Comment: This sequence change falls in intron 40 of the ATR gene. It does not directly change the encoded amino acid sequence of the ATR protein. It affects a nucleotide within the consensus splice site. This variant is present in population databases (rs774382399, gnomAD 0.005%). This variant has not been reported in the literature in individuals affected with ATR-related conditions. ClinVar contains an entry for this variant (Variation ID: 1008649). Variants that disrupt the consensus splice site are a relatively common cause of aberrant splicing (PMID: 17576681, 9536098). Algorithms developed to predict the effect of sequence changes on RNA splicing suggest that this variant is not likely to affect RNA splicing. In summary, the available evidence is currently insufficient to determine the role of this variant in disease. Therefore, it has been classified as a Variant of Uncertain Significance.

Literature cited by the submitters: PubMed 17576681; PubMed 9536098.

NM_001184.4(ATR):c.6897+5A>G

Gene: ATR (ATR checkpoint kinase; minus strand). Cytogenetic location: 3q23.
Variant type: single nucleotide variant.
Coding change: c.6897+5A>G on transcript NM_001184.4 (MANE Select); 5 bases into the intron after coding-DNA position 6897, A replaced by G.
Molecular consequence: intron variant.
Genome position (GRCh38, 1-based): chr3:142,466,319, T>C on the plus strand (A>G on the coding strand, the complement: ATR is on the minus strand). VCF-style: chr3-142466319-T-C. GRCh37 (hg19) VCF-style: chr3-142185161-T-C.
Other names: c.6705+5A>G (NM_001354579.2).
Identifiers: ClinVar variation 1008649 (VCV001008649.8), dbSNP rs774382399, ClinGen allele CA2649254.